The following is an entry in ClinVar:

NM_212482.4(FN1):c.4388A>G (p.Asn1463Ser)

Gene: FN1 (fibronectin 1; minus strand). Cytogenetic location: 2q35.
Variant type: single nucleotide variant.
Coding change: c.4388A>G on transcript NM_212482.4 (MANE Select); coding-DNA position 4388, A replaced by G.
Protein change: p.Asn1463Ser; replaces asparagine 1463 with serine.
Molecular consequence: missense variant.
Genome position (GRCh38, 1-based): chr2:215,386,913, T>C on the plus strand (A>G on the coding strand, the complement: FN1 is on the minus strand). VCF-style: chr2-215386913-T-C. GRCh37 (hg19) VCF-style: chr2-216251636-T-C.
Other names: c.4388A>G, p.Asn1463Ser (NM_001306129.2, NM_001306130.2, NM_001365517.2 and 3 more transcripts); c.4115A>G, p.Asn1372Ser (NM_001306131.2, NM_001306132.2, NM_001365518.2 and 7 more transcripts); short protein forms N1372S, N1463S.
Identifiers: ClinVar variation 1421831 (VCV001421831.6), dbSNP rs2059090179, ClinGen allele CA350481863.
Genomic context (GRCh38, chr2:215,386,913, plus strand): 5'-TGGCGGATCCTGTAGCCAGTGATGGTGGCTCGAGGAGCAATCCAGTGCACAGTAAAAGAG[T>C]TGGCAGTAATATCAGAAAAGTCAATGCCAGTTGGGGAATCAAGACCTGTTTTTCCCACCC-3'
Protein context (NP_997647.2, residues 1453-1473): TGIDFSDITA[Asn1463Ser]SFTVHWIAPR

ClinVar aggregate classification (germline): Uncertain significance (1 of 4 stars; one submission).

Allele frequency attached by ClinVar (database versions not stated): gnomAD exomes below 0.00001.
gnomAD v4.1: 3 of 1,612,800 alleles (0.00019%); highest among the groups gnomAD compares: Non-Finnish European, 0.00025%; no homozygotes.

Submission:

Labcorp Genetics (formerly Invitae), Labcorp
Classification: Uncertain significance. Last evaluated: 2023-03-14. Review status: criteria provided, single submitter. Criteria: Invitae Variant Classification Sherloc (09022015). Collection method: clinical testing. Allele origin: germline.
Comment: In summary, the available evidence is currently insufficient to determine the role of this variant in disease. Therefore, it has been classified as a Variant of Uncertain Significance. Algorithms developed to predict the effect of sequence changes on RNA splicing suggest that this variant may create or strengthen a splice site. An algorithm developed to predict the effect of missense changes on protein structure and function (PolyPhen-2) suggests that this variant is likely to be tolerated. ClinVar contains an entry for this variant (Variation ID: 1421831). This variant has not been reported in the literature in individuals affected with FN1-related conditions. This variant is not present in population databases (gnomAD no frequency). This sequence change replaces asparagine, which is neutral and polar, with serine, which is neutral and polar, at codon 1463 of the FN1 protein (p.Asn1463Ser).